The following is an entry in ClinVar:

ClinVar aggregate classification (germline): Likely pathogenic (1 of 4 stars; one submission).

Conditions:
Nemaline myopathy 2 (NEM2). Also called: Nemaline myopathy 2, autosomal recessive. Identifiers: MedGen C1850569, MONDO:0009725, OMIM 256030.

Submission:

Laboratorio de Genetica e Diagnostico Molecular, Hospital Israelita Albert Einstein
Classification: Likely pathogenic for Nemaline myopathy 2. Last evaluated: 2022-10-21. Review status: criteria provided, single submitter. Criteria: ACMG Guidelines, 2015. Collection method: clinical testing. Allele origin: germline. Affected: yes. Observed: 1 variant allele.
Comment: ACMG classification criteria: PVS1 very strong, PM2 moderated

NM_001164508.2(NEB):c.19843_19853del (p.Tyr6615fs)

Gene: NEB (nebulin; minus strand). Cytogenetic location: 2q23.3.
Variant type: Deletion.
Coding change: c.19843_19853del on transcript NM_001164508.2 (MANE Select); coding-DNA positions 19843 to 19853, 11 bases deleted (TACCACTATGA).
Protein change: p.Tyr6615fs; shifts the reading frame from tyrosine 6615.
Molecular consequence: frameshift variant.
Genome position (GRCh38, 1-based): chr2:151,551,829-151,551,839, TCATAGTGGTA deleted on the plus strand (TACCACTATGA on the coding strand, the reverse complement: NEB is on the minus strand). VCF-style (leftmost placement, unchanged base first): chr2-151551828-GTCATAGTGGTA-G. GRCh37 (hg19) VCF-style: chr2-152408342-GTCATAGTGGTA-G.
Other names: c.19843_19853del, p.Tyr6615fs (NM_001164507.2, NM_001271208.2); c.14740_14750del, p.Tyr4914fs (NM_004543.5); short protein forms Y4914fs, Y6615fs.
Identifiers: ClinVar variation 2431771 (VCV002431771.1), dbSNP rs1395114113, ClinGen allele CA758861874.